The following is an entry in ClinVar:

ClinVar aggregate classification (germline): Uncertain significance. Review status: criteria provided, multiple submitters, no conflicts (2 of 4 stars). 2 submissions from 2 submitters: Uncertain significance (2). Last evaluated 2018-01-12.

Conditions:
Autosomal recessive nonsyndromic hearing loss 35. Identifiers: Orphanet 90636, MedGen C1837857, MONDO:0012060, OMIM 608565.

Submissions (2):

Illumina Laboratory Services, Illumina
Classification: Uncertain significance for Autosomal recessive nonsyndromic hearing loss 35. Last evaluated: 2018-01-12. Review status: criteria provided, single submitter. Criteria: ICSL Variant Classification Criteria 13 December 2019. Collection method: clinical testing. Allele origin: germline.

Laboratory for Molecular Medicine, Mass General Brigham Personalized Medicine
Classification: Uncertain significance. Last evaluated: 2017-03-02. Review status: criteria provided, single submitter. Criteria: LMM Criteria. Collection method: clinical testing. Allele origin: germline. Observed: 1 variant allele.
Comment: The p.Leu199Ser variant in ESRRB has not been previously reported in individuals with hearing loss or in large population studies. Computational prediction tool s and conservation analyses do not provide strong support for or against an impa ct to the protein. In summary, the clinical significance of the p.Leu199Ser var iant is uncertain.

NM_001379180.1(ESRRB):c.659T>C (p.Leu220Ser)

Gene: ESRRB (estrogen related receptor beta; plus strand). Cytogenetic location: 14q24.3.
Variant type: single nucleotide variant.
Coding change: c.659T>C on transcript NM_001379180.1 (MANE Select); coding-DNA position 659, T replaced by C.
Protein change: p.Leu220Ser; replaces leucine 220 with serine.
Molecular consequence: missense variant.
Genome position (GRCh38, 1-based): chr14:76,482,097, T>C. VCF-style: chr14-76482097-T-C. GRCh37 (hg19) VCF-style: chr14-76948440-T-C.
Other names: c.596T>C, p.Leu199Ser (NM_004452.4); short protein forms L199S, L220S.
Identifiers: ClinVar variation 314487 (VCV000314487.8), dbSNP rs886050806, ClinGen allele CA10644991.